The following is an entry in ClinVar:

ClinVar aggregate classification (germline): Uncertain significance (1 of 4 stars; one submission).

Conditions:
Congenital myasthenic syndrome 8. Also called: MYASTHENIC SYNDROME, CONGENITAL, DUE TO AGRIN DEFICIENCY; Myasthenic syndrome, congenital, 8, with pre- and postsynaptic defects. Identifiers: Orphanet 590, MedGen C3808739, MONDO:0014052, OMIM 615120.

Submission:

Labcorp Genetics (formerly Invitae), Labcorp
Classification: Uncertain significance for Congenital myasthenic syndrome 8. Last evaluated: 2020-08-30. Review status: criteria provided, single submitter. Criteria: Invitae Variant Classification Sherloc (09022015). Collection method: clinical testing. Allele origin: germline.
Comment: In summary, the available evidence is currently insufficient to determine the role of this variant in disease. Therefore, it has been classified as a Variant of Uncertain Significance. Algorithms developed to predict the effect of missense changes on protein structure and function are either unavailable or do not agree on the potential impact of this missense change (SIFT: "Deleterious"; PolyPhen-2: "Probably Damaging"; Align-GVGD: "Class C0"). This variant has not been reported in the literature in individuals with AGRN-related conditions. This variant is not present in population databases (ExAC no frequency). This sequence change replaces leucine with proline at codon 124 of the AGRN protein (p.Leu124Pro). The leucine residue is weakly conserved and there is a moderate physicochemical difference between leucine and proline.

NM_198576.4(AGRN):c.371T>C (p.Leu124Pro)

Genes: AGRN (agrin; plus strand), LOC126805576 (P300/CBP strongly-dependent group 1 enhancer GRCh37_chr1:956772-957971; plus strand). Cytogenetic location: 1p36.33.
Variant type: single nucleotide variant.
Coding change: c.371T>C on transcript NM_198576.4 (MANE Select); coding-DNA position 371, T replaced by C.
Protein change: p.Leu124Pro; replaces leucine 124 with proline.
Molecular consequence: missense variant.
Genome position (GRCh38, 1-based): chr1:1,022,370, T>C. VCF-style: chr1-1022370-T-C. GRCh37 (hg19) VCF-style: chr1-957750-T-C.
Other names: c.371T>C, p.Leu124Pro (NM_001305275.2); short protein forms L124P.
Identifiers: ClinVar variation 1000760 (VCV001000760.9), dbSNP rs1644425409, ClinGen allele CA337813295.
Genomic context (GRCh38, chr1:1,022,370, plus strand): 5'-ACAACCAGGTGTCCACTGGGGACACCAGGATCTTCTTTGTGAACCCTGCACCCCCATACC[T>C]GTGGCCAGCCCACAAGAACGAGCTGATGCTCAACTCCAGCCTCATGCGGATCACCCTGCG-3'
Protein context (NP_940978.2, residues 114-134): IFFVNPAPPY[Leu124Pro]WPAHKNELML